The following is an entry in ClinVar:

ClinVar aggregate classification (germline): Conflicting classifications of pathogenicity. Review status: criteria provided, conflicting classifications (1 of 4 stars). 2 submissions from 2 submitters: Uncertain significance (1); Likely benign (1). Last evaluated 2023-03-23.

Conditions:
Hereditary cancer-predisposing syndrome. Also called: Neoplastic Syndromes, Hereditary; Tumor predisposition; Hereditary Cancer Syndrome; Hereditary neoplastic syndrome. Identifiers: Orphanet 140162, MedGen C0027672, MeSH D009386, MONDO:0015356.

Submissions (2):

University of Washington Department of Laboratory Medicine, University of Washington
Classification: Likely benign for Hereditary cancer-predisposing syndrome. Last evaluated: 2023-03-23. Review status: criteria provided, single submitter. Criteria: Dines et al. (Genet Med. 2020). Collection method: curation. Allele origin: germline.
Comment: Missense variant in a coldspot region where missense variants are very unlikely to be pathogenic (PMID:31911673).

BRCA2 exon 10 coldspot. Reclassification based on statistical prior probability.

Ambry Genetics
Classification: Uncertain significance for Hereditary cancer-predisposing syndrome. Last evaluated: 2021-10-13. Review status: criteria provided, single submitter. Criteria: Ambry Variant Classification Scheme 2023. Collection method: clinical testing. Allele origin: germline.
Comment: The p.E425A variant (also known as c.1274A>C), located in coding exon 9 of the BRCA2 gene, results from an A to C substitution at nucleotide position 1274. The glutamic acid at codon 425 is replaced by alanine, an amino acid with dissimilar properties. This variant was reported in 1/60,466 breast cancer cases and in 2/53,461 controls (Dorling et al. N Engl J Med. 2021 02;384:428-439). This amino acid position is not well conserved in available vertebrate species. In addition, this alteration is predicted to be tolerated by in silico analysis. Since supporting evidence is limited at this time, the clinical significance of this alteration remains unclear.

Literature cited by the submitters: PubMed 33471991 (cited by Ambry Genetics).

NM_000059.4(BRCA2):c.1274A>C (p.Glu425Ala)

Gene: BRCA2 (BRCA2 DNA repair associated; plus strand). Cytogenetic location: 13q13.1.
Variant type: single nucleotide variant.
Coding change: c.1274A>C on transcript NM_000059.4 (MANE Select); coding-DNA position 1274, A replaced by C.
Protein change: p.Glu425Ala; replaces glutamic acid 425 with alanine.
Molecular consequence: missense variant.
Genome position (GRCh38, 1-based): chr13:32,332,752, A>C. VCF-style: chr13-32332752-A-C. GRCh37 (hg19) VCF-style: chr13-32906889-A-C.
Other names: c.1274A>C, p.Glu425Ala (NM_001406719.1, NM_001406720.1, NM_001406721.1); short protein forms E425A.
Identifiers: ClinVar variation 1766120 (VCV001766120.4), dbSNP rs768169574, ClinGen allele CA387762393.
Genomic context (GRCh38, chr13:32,332,752, plus strand): 5'-GAGCCCAGATGGAGAAAATACCCCTATTGCATATTTCTTCATGTGACCAAAATATTTCAG[A>C]AAAAGACCTATTAGACACAGAGAACAAAAGAAAGAAAGATTTTCTTACTTCAGAGAATTC-3'
Protein context (NP_000050.3, residues 415-435): HISSCDQNIS[Glu425Ala]KDLLDTENKR